The following is an entry in ClinVar:

ClinVar aggregate classification (germline): Uncertain significance (1 of 4 stars; one submission).

Conditions:
Melnick-Fraser syndrome (BOR). Also called: Branchio-oto-renal syndrome; Branchiootorenal syndrome; Branchiootorenal Syndrome (BORS). Identifiers: Orphanet 107, MedGen C0265234, MONDO:0007029.

Submission:

Labcorp Genetics (formerly Invitae), Labcorp
Classification: Uncertain significance for Melnick-Fraser syndrome. Last evaluated: 2025-10-29. Review status: criteria provided, single submitter. Criteria: Invitae Variant Classification Sherloc (09022015). Collection method: clinical testing. Allele origin: germline.
Comment: This sequence change replaces leucine, which is neutral and non-polar, with proline, which is neutral and non-polar, at codon 580 of the EYA1 protein (p.Leu580Pro). This variant is not present in population databases (gnomAD no frequency). This variant has not been reported in the literature in individuals affected with EYA1-related conditions. Invitae Evidence Modeling of protein sequence and biophysical properties (such as structural, functional, and spatial information, amino acid conservation, physicochemical variation, residue mobility, and thermodynamic stability) has been performed for this missense variant. However, the output from this modeling did not meet the statistical confidence thresholds required to predict the impact of this variant on EYA1 protein function. This variant disrupts the p.Leu580 amino acid residue in EYA1. Other variant(s) that disrupt this residue have been determined to be pathogenic (internal data). This suggests that this residue is clinically significant, and that variants that disrupt this residue are likely to be disease-causing. In summary, the available evidence is currently insufficient to determine the role of this variant in disease. Therefore, it has been classified as a Variant of Uncertain Significance.

NM_000503.6(EYA1):c.1739T>C (p.Leu580Pro)

Gene: EYA1 (EYA transcriptional coactivator and phosphatase 1; minus strand). Cytogenetic location: 8q13.3.
Variant type: single nucleotide variant.
Coding change: c.1739T>C on transcript NM_000503.6 (MANE Select); coding-DNA position 1739, T replaced by C.
Protein change: p.Leu580Pro; replaces leucine 580 with proline.
Molecular consequence: missense variant.
Genome position (GRCh38, 1-based): chr8:71,199,380, A>G on the plus strand (T>C on the coding strand, the complement: EYA1 is on the minus strand). VCF-style: chr8-71199380-A-G. GRCh37 (hg19) VCF-style: chr8-72111615-A-G.
Other names: c.1721T>C, p.Leu574Pro (NM_001288574.2, NM_172059.5); c.1373T>C, p.Leu458Pro (NM_001288575.2); c.1826T>C, p.Leu609Pro (NM_001370333.1); c.1739T>C, p.Leu580Pro (NM_001370334.1, NM_001370335.1, NM_172058.4); c.1718T>C, p.Leu573Pro (NM_001370336.1); c.1640T>C, p.Leu547Pro (NM_001411797.1, NM_172060.4); short protein forms L458P, L580P, L574P, L547P, L573P, L609P.
Identifiers: ClinVar variation 4720593 (VCV004720593.1).